The following is an entry in ClinVar:

NM_001042492.3(NF1):c.6270C>G (p.Phe2090Leu)

Gene: NF1 (neurofibromin 1; plus strand). Cytogenetic location: 17q11.2.
Variant type: single nucleotide variant.
Coding change: c.6270C>G on transcript NM_001042492.3 (MANE Select); coding-DNA position 6270, C replaced by G.
Protein change: p.Phe2090Leu; replaces phenylalanine 2090 with leucine.
Molecular consequence: missense variant.
Genome position (GRCh38, 1-based): chr17:31,336,757, C>G. VCF-style: chr17-31336757-C-G. GRCh37 (hg19) VCF-style: chr17-29663775-C-G.
Other names: c.6207C>G, p.Phe2069Leu (NM_000267.4); short protein forms F2090L, F2069L.
Identifiers: ClinVar variation 826249 (VCV000826249.4), dbSNP rs1597842872, ClinGen allele CA399012175.
Genomic context (GRCh38, chr17:31,336,757, plus strand): 5'-ACAACATCTTATGTGGGATGATATTGCTATTTTAGCACGCTACATGCTGATGCTGTCCTT[C>G]AACAATTCCCTTGATGTGGCAGCTCATCTTCCCTACCTCTTCCACGTTGTTACTTTCTTA-3'
Protein context (NP_001035957.1, residues 2080-2100): ILARYMLMLS[Phe2090Leu]NNSLDVAAHL

ClinVar aggregate classification (germline): Uncertain significance (1 of 4 stars; one submission).

Conditions:
Hereditary cancer-predisposing syndrome. Also called: Neoplastic Syndromes, Hereditary; Tumor predisposition; Hereditary neoplastic syndrome; Hereditary Cancer Syndrome. Identifiers: Orphanet 140162, MedGen C0027672, MeSH D009386, MONDO:0015356.
Cardiovascular phenotype. Identifiers: MedGen CN230736.

Submission:

Ambry Genetics
Classification: Uncertain significance for Cardiovascular phenotype; Hereditary cancer-predisposing syndrome. Last evaluated: 2019-05-24. Review status: criteria provided, single submitter. Criteria: Ambry Variant Classification Scheme 2023. Collection method: clinical testing. Allele origin: germline.
Comment: The p.F2069L variant (also known as c.6207C>G), located in coding exon 41 of the NF1 gene, results from a C to G substitution at nucleotide position 6207. The phenylalanine at codon 2069 is replaced by leucine, an amino acid with highly similar properties. This amino acid position is highly conserved in available vertebrate species. In addition, this alteration is predicted to be deleterious by in silico analysis. Since supporting evidence is limited at this time, the clinical significance of this alteration remains unclear.